The following is an entry in ClinVar:

ClinVar aggregate classification (germline): Likely pathogenic (1 of 4 stars; one submission).

Conditions:
KIF5A-related disorder. Also called: KIF5A-related condition; KIF5A-related disorders.

Submission:

Rady Children's Institute for Genomic Medicine, Rady Children's Hospital San Diego
Classification: Likely pathogenic for KIF5A-related Disorders. Review status: criteria provided, single submitter. Criteria: ACMG Guidelines, 2015. Collection method: clinical testing. Allele origin: germline. Affected: yes.
Comment: This variant is also referred to as c.2934delG in the literature. This variant has been previously reported as a de novo change in a patient with myoclonus, eye movement abnormalities, ptosis, optic nerve abnormalities, dysphagia, apnea, hypotonia and developmental arrest (PMID: 27463701). This variant is absent from the gnomAD population database and thus is presumed to be rare. Analysis of the parental samples was negative for the variant, indicating this variant likely occurred as a de novo event. Based on the available evidence, the c.2936del (p.Gly979GlufsTer69) variant is classified as Likely Pathogenic.

NM_004984.4(KIF5A):c.2936del (p.Gly979fs)

Gene: KIF5A (kinesin family member 5A; plus strand). Cytogenetic location: 12q13.3.
Variant type: Deletion.
Coding change: c.2936del on transcript NM_004984.4 (MANE Select); coding-DNA position 2936, one base deleted (G; older notation c.2936delG).
Protein change: p.Gly979fs; shifts the reading frame from glycine 979.
Molecular consequence: frameshift variant.
Genome position (GRCh38, 1-based): chr12:57,581,896, G deleted; the last of 2 consecutive G bases (chr12:57,581,895-57,581,896); deleting either gives the same sequence. VCF-style (leftmost placement, unchanged base first): chr12-57581894-TG-T. GRCh37 (hg19) VCF-style: chr12-57975677-TG-T.
Other names: c.2669del, p.Gly890fs (NM_001354705.2); short protein forms G890fs, G979fs.
Identifiers: ClinVar variation 2584453 (VCV002584453.1), dbSNP rs2540516288, ClinGen allele CA2582341787.